The following is an entry in ClinVar:

ClinVar aggregate classification (germline): Pathogenic/Likely pathogenic. Review status: criteria provided, multiple submitters, no conflicts (2 of 4 stars). 3 submissions from 3 submitters: Pathogenic (2); Likely pathogenic (1). Last evaluated 2023-09-12.

Conditions:
Dehydrated hereditary stomatocytosis with or without pseudohyperkalemia and/or perinatal edema (DHS1). Also called: Dehydrated hereditary stomatocytosis 1 with or without pseudohyperkalemia and/or perinatal edema; PSEUDOHYPERKALEMIA EDINBURGH; DEHYDRATED HEREDITARY STOMATOCYTOSIS AND PSEUDOHYPERKALEMIA; DEHYDRATED HEREDITARY STOMATOCYTOSIS WITH PSEUDOHYPERKALEMIA AND PERINATAL EDEMA; Pseudohyperkalemia, familial, 1, due to red cell leak. Identifiers: Orphanet 3202, MedGen C4551512, MONDO:0008689, OMIM 194380.
Lymphatic malformation 6 (LMPHM6). Also called: GENERALIZED LYMPHATIC DYSPLASIA OF FOTIOU; Lymphedema, hereditary, III; PIEZO1-related generalized lymphatic dysplasia with non-immune hydrops fetalis. Identifiers: Orphanet 568062, MedGen C4225184, MONDO:0014797, OMIM 616843.

Allele frequency attached by ClinVar (database versions not stated): TOPMed below 0.00001.

Submissions (3):

Revvity Omics, Revvity
Classification: Likely pathogenic. Last evaluated: 2023-09-12. Review status: criteria provided, single submitter. Criteria: ACMG Guidelines, 2015. Collection method: clinical testing. Allele origin: germline.

GeneDx
Classification: Pathogenic. Last evaluated: 2022-10-24. Review status: criteria provided, single submitter. Criteria: GeneDx Variant Classification Process June 2021. Collection method: clinical testing. Allele origin: germline. Affected: yes.
Comment: Nonsense variant predicted to result in protein truncation or nonsense mediated decay in a gene for which loss-of-function is a known mechanism of disease; Not observed at significant frequency in large population cohorts (gnomAD); Has not been previously published as pathogenic or benign to our knowledge

Genomic Medicine Lab, University of California San Francisco
Classification: Pathogenic for Dehydrated hereditary stomatocytosis with or without pseudohyperkalemia and/or perinatal edema; Lymphatic malformation 6. Review status: criteria provided, single submitter. Criteria: ACMG Guidelines, 2015. Collection method: clinical testing. Allele origin: paternal. Study: CSER.

NM_001142864.4(PIEZO1):c.1381C>T (p.Gln461Ter)

Genes: HSALR1 (HSP90AB1 associated lncRNA 1; plus strand), PIEZO1 (piezo type mechanosensitive ion channel component 1 (Er blood group); minus strand). Cytogenetic location: 16q24.3.
Variant type: single nucleotide variant.
Coding change: c.1381C>T on transcript NM_001142864.4 (MANE Select); coding-DNA position 1381, C replaced by T.
Protein change: p.Gln461Ter; replaces glutamine 461 with a stop codon.
Molecular consequence: nonsense.
Genome position (GRCh38, 1-based): chr16:88,736,324, G>A on the plus strand (C>T on the coding strand, the complement: PIEZO1 is on the minus strand). VCF-style: chr16-88736324-G-A. GRCh37 (hg19) VCF-style: chr16-88802732-G-A.
Other names: short protein forms Q461*.
Identifiers: ClinVar variation 1707478 (VCV001707478.4), dbSNP rs776709730, ClinGen allele CA286432762.